The following is an entry in ClinVar:

NM_025219.3(DNAJC5):c.*4006C>T

Gene: DNAJC5 (DnaJ heat shock protein family (Hsp40) member C5; plus strand). Cytogenetic location: 20q13.33.
Variant type: single nucleotide variant.
Coding change: c.*4006C>T on transcript NM_025219.3 (MANE Select); 4006 bases downstream of the stop codon, C replaced by T.
Molecular consequence: 3 prime UTR variant.
Genome position (GRCh38, 1-based): chr20:63,935,574, C>T. VCF-style: chr20-63935574-C-T. GRCh37 (hg19) VCF-style: chr20-62566927-C-T.
Identifiers: ClinVar variation 339435 (VCV000339435.6), dbSNP rs138866062, ClinGen allele CA10644428.

ClinVar aggregate classification (germline): Benign (1 of 4 stars; one submission).

Conditions:
Ceroid lipofuscinosis, neuronal, 4 (Kufs type) (CLN4). Also called: Neuronal ceroid lipofuscinosis 4B; Ceroid lipofuscinosis, neuronal, 4, Parry type. Identifiers: Orphanet 228343, Orphanet 79262, MedGen C1834207, MONDO:0008083, OMIM 162350.

Allele frequency attached by ClinVar (database versions not stated): 1000 Genomes Project 30x 0.00031; 1000 Genomes Project 0.00040; gnomAD 0.00058 and 0.00079; TOPMed 0.00089.

Submission:

Illumina Laboratory Services, Illumina
Classification: Benign for Ceroid lipofuscinosis, neuronal, 4 (Kufs type). Last evaluated: 2018-01-13. Review status: criteria provided, single submitter. Criteria: ICSL Variant Classification Criteria 13 December 2019. Collection method: clinical testing. Allele origin: germline.
Comment: This variant was observed in the ICSL laboratory as part of a predisposition screen in an ostensibly healthy population. It had not been previously curated by ICSL or reported in the Human Gene Mutation Database (HGMD: prior to June 1st, 2018), and was therefore a candidate for classification through an automated scoring system. Utilizing variant allele frequency, disease prevalence and penetrance estimates, and inheritance mode, an automated score was calculated to assess if this variant is too frequent to cause the disease. Based on the score and internal cut-off values, a variant classified as benign is not then subjected to further curation. The score for this variant resulted in a classification of benign for this disease.